The following is an entry in ClinVar:

ClinVar aggregate classification (germline): Likely benign. Review status: criteria provided, multiple submitters, no conflicts (2 of 4 stars). 2 submissions from 2 submitters: Likely benign (2). Last evaluated 2026-04-01.

Allele frequency attached by ClinVar (database versions not stated): 1000 Genomes Project 0.00060; gnomAD 0.00067; ESP Exome Variant Server 0.00085; TOPMed 0.00086; 1000 Genomes Project 30x 0.00094.
gnomAD v4.1: 1,982 of 1,612,952 alleles (0.12%); highest among the groups gnomAD compares: Non-Finnish European, 0.15%; 2 homozygotes.

Submissions (2):

CeGaT Center for Human Genetics Tuebingen
Classification: Likely benign. Last evaluated: 2026-04-01. Review status: criteria provided, single submitter. Criteria: CeGaT Center For Human Genetics Tuebingen Variant Classification Criteria Version 2. Collection method: clinical testing. Allele origin: germline. Affected: yes. Observed: 4 variant alleles.
Comment: SGSM3: BP4, BP7

Labcorp Genetics (formerly Invitae), Labcorp
Classification: Likely benign. Last evaluated: 2018-05-31. Review status: criteria provided, single submitter. Criteria: Invitae Variant Classification Sherloc (09022015). Collection method: clinical testing. Allele origin: germline.

NM_015705.6(SGSM3):c.2040C>T (p.Thr680=)

Gene: SGSM3 (small G protein signaling modulator 3; plus strand). Cytogenetic location: 22q13.1.
Variant type: single nucleotide variant.
Coding change: c.2040C>T on transcript NM_015705.6 (MANE Select); coding-DNA position 2040, C replaced by T.
Protein change: p.Thr680=; no amino-acid change (threonine 680 retained).
Molecular consequence: synonymous variant. On other transcripts: non-coding transcript variant (4).
Genome position (GRCh38, 1-based): chr22:40,409,301, C>T. VCF-style: chr22-40409301-C-T. GRCh37 (hg19) VCF-style: chr22-40805305-C-T.
Other names: c.1773C>T, p.Thr591= (NM_001301849.2); c.2091C>T, p.Thr697= (NM_001350039.2, NM_001350040.2); c.2040C>T, p.Thr680= (NM_001350041.2); c.1902C>T, p.Thr634= (NM_001350042.2); c.1890C>T, p.Thr630= (NM_001350043.2); c.1851C>T, p.Thr617= (NM_001350044.2, NM_001350045.2); c.1839C>T, p.Thr613= (NM_001350046.2, NM_001350047.2); c.1542C>T, p.Thr514= (NM_001350048.2).
Identifiers: ClinVar variation 712821 (VCV000712821.16), dbSNP rs138537467, ClinGen allele CA10249005.
Genomic context (GRCh38, chr22:40,409,301, plus strand): 5'-TGTCCCCAGTGAGCAGGTGCTGCACCTGTGGCTGGAGGTGCTCTGCTCCAGCCTGCCCAC[C>T]GTGGAGAAGTGGTACCAGCCCTGGTCCTTCCTGCGCAGCCCGGGCTGGGTCCAGATCAAG-3'
Protein context (NP_056520.2, residues 670-690): WLEVLCSSLP[Thr680=]VEKWYQPWSF